The following is an entry in ClinVar:

ClinVar aggregate classification (germline): Uncertain significance. Review status: criteria provided, multiple submitters, no conflicts (2 of 4 stars). 3 submissions from 3 submitters: Uncertain significance (3). Last evaluated 2026-01-04.

Conditions:
Exostoses, multiple, type 2 (EXT2). Also called: EXOSTOSES, MULTIPLE, TYPE II; Hereditary Multiple Osteochondromatosis, Type II. Identifiers: Orphanet 321, MedGen C1851413, MONDO:0007586, OMIM 133701.
Inborn genetic diseases. Identifiers: MedGen C0950123, MeSH D030342.

Allele frequency attached by ClinVar (database versions not stated): gnomAD exomes 0.00001 and 0.00002; ExAC 0.00002; gnomAD 0.00003 and 0.00004; TOPMed 0.00007; 1000 Genomes Project 0.00020; 1000 Genomes Project 30x 0.00031.
gnomAD v4.1: 7 of 1,613,558 alleles (0.00043%); highest among the groups gnomAD compares: African/African-American, 0.0053%; no homozygotes.

Submissions (3):

Labcorp Genetics (formerly Invitae), Labcorp
Classification: Uncertain significance for Exostoses, multiple, type 2. Last evaluated: 2026-01-04. Review status: criteria provided, single submitter. Criteria: Invitae Variant Classification Sherloc (09022015). Collection method: clinical testing. Allele origin: germline.
Comment: This sequence change replaces lysine, which is basic and polar, with asparagine, which is neutral and polar, at codon 302 of the EXT2 protein (p.Lys302Asn). This variant is present in population databases (rs549810739, gnomAD 0.02%). This variant has not been reported in the literature in individuals affected with EXT2-related conditions. ClinVar contains an entry for this variant (Variation ID: 851528). Invitae Evidence Modeling of protein sequence and biophysical properties (such as structural, functional, and spatial information, amino acid conservation, physicochemical variation, residue mobility, and thermodynamic stability) indicates that this missense variant is not expected to disrupt EXT2 protein function with a negative predictive value of 95%. In summary, the available evidence is currently insufficient to determine the role of this variant in disease. Therefore, it has been classified as a Variant of Uncertain Significance.

Ambry Genetics
Classification: Uncertain significance for Inborn genetic diseases. Last evaluated: 2025-08-12. Review status: criteria provided, single submitter. Criteria: Ambry Variant Classification Scheme 2023. Collection method: clinical testing. Allele origin: germline.

St. Jude Molecular Pathology, St. Jude Children's Research Hospital
Classification: Uncertain significance for Exostoses, multiple, type 2. Last evaluated: 2023-05-08. Review status: criteria provided, single submitter. Criteria: St. Jude Assertion Criteria 2020. Collection method: clinical testing. Allele origin: germline.
Comment: The EXT2 c.1005G>C (p.Lys335Asn) missense change has a maximum subpopulation frequency of 0.016% in gnomAD v2.1.1. The in silico tool REVEL predicts a benign effect on protein function, but to our knowledge this prediction has not been confirmed by functional studies. To our knowledge, this variant has not been reported in individuals with hereditary multiple exostoses. In summary, the evidence currently available is insufficient to determine the clinical significance of this variant. It has therefore been classified as of uncertain significance.

NM_207122.2(EXT2):c.906G>C (p.Lys302Asn)

Gene: EXT2 (exostosin glycosyltransferase 2; plus strand). Cytogenetic location: 11p11.2.
Variant type: single nucleotide variant.
Coding change: c.906G>C on transcript NM_207122.2 (MANE Select); coding-DNA position 906, G replaced by C.
Protein change: p.Lys302Asn; replaces lysine 302 with asparagine.
Molecular consequence: missense variant.
Genome position (GRCh38, 1-based): chr11:44,124,951, G>C. VCF-style: chr11-44124951-G-C. GRCh37 (hg19) VCF-style: chr11-44146501-G-C.
Other names: c.1005G>C, p.Lys335Asn (NM_000401.3); c.906G>C, p.Lys302Asn (NM_001178083.3, NM_001389628.1, NM_001389630.1); short protein forms K335N, K302N.
Identifiers: ClinVar variation 851528 (VCV000851528.9), dbSNP rs549810739, ClinGen allele CA5955029.
Genomic context (GRCh38, chr11:44,124,951, plus strand): 5'-ACTCGATAAATGCACCAACCTCTCAGAGGGTGTCCTTTCTGTCCGTAAGCGCTGCCACAA[G>C]CACCAGGTCTTCGATTACCCACAGGTGCTACAGGTGAGTGTCATTCATTACCTCTCGCAA-3'
Protein context (NP_997005.1, residues 292-312): GVLSVRKRCH[Lys302Asn]HQVFDYPQVL